The following is an entry in ClinVar:

NM_182914.3(SYNE2):c.*59G>A

Gene: SYNE2 (spectrin repeat containing nuclear envelope protein 2; plus strand). Cytogenetic location: 14q23.2.
Variant type: single nucleotide variant.
Coding change: c.*59G>A on transcript NM_182914.3 (MANE Select); 59 bases downstream of the stop codon, G replaced by A.
Molecular consequence: 3 prime UTR variant.
Genome position (GRCh38, 1-based): chr14:64,225,585, G>A. VCF-style: chr14-64225585-G-A. GRCh37 (hg19) VCF-style: chr14-64692303-G-A.
Other names: c.*59G>A (NM_015180.6, NM_182910.2, NM_182913.4).
Identifiers: ClinVar variation 880740 (VCV000880740.4), dbSNP rs776787883, ClinGen allele CA7225024.

ClinVar aggregate classification (germline): Likely benign (1 of 4 stars; one submission).

Conditions:
Emery-Dreifuss muscular dystrophy 5, autosomal dominant (EDMD5). Also called: EMERY-DREIFUSS MUSCULAR DYSTROPHY 5. Identifiers: Orphanet 261, MedGen C2751805, MONDO:0013072, OMIM 612999.

Allele frequency attached by ClinVar (database versions not stated): TOPMed 0.00007; gnomAD 0.00014; gnomAD exomes 0.00014 and 0.00021; ExAC 0.00029.
gnomAD v4.1: 218 of 1,562,678 alleles (0.014%); highest among the groups gnomAD compares: Middle Eastern, 0.37%; no homozygotes.

Submission:

Illumina Laboratory Services, Illumina
Classification: Likely benign for Emery-Dreifuss muscular dystrophy 5, autosomal dominant. Last evaluated: 2018-01-13. Review status: criteria provided, single submitter. Criteria: ICSL Variant Classification Criteria 13 December 2019. Collection method: clinical testing. Allele origin: germline.
Comment: This variant was observed in the ICSL laboratory as part of a predisposition screen in an ostensibly healthy population. It had not been previously curated by ICSL or reported in the Human Gene Mutation Database (HGMD: prior to June 1st, 2018), and was therefore a candidate for classification through an automated scoring system. Utilizing variant allele frequency, disease prevalence and penetrance estimates, and inheritance mode, an automated score was calculated to assess if this variant is too frequent to cause the disease. Based on the score and internal cut-off values, a variant classified as likely benign is not then subjected to further curation. The score for this variant resulted in a classification of likely benign for this disease.